The following is an entry in ClinVar:

NM_004006.3(DMD):c.3607G>T (p.Ala1203Ser)

Gene: DMD (dystrophin; minus strand). Cytogenetic location: Xp21.1.
Variant type: single nucleotide variant.
Coding change: c.3607G>T on transcript NM_004006.3 (MANE Select); coding-DNA position 3607, G replaced by T.
Protein change: p.Ala1203Ser; replaces alanine 1203 with serine.
Molecular consequence: missense variant.
Genome position (GRCh38, 1-based): chrX:32,448,635, C>A on the plus strand (G>T on the coding strand, the complement: DMD is on the minus strand). VCF-style: chrX-32448635-C-A. GRCh37 (hg19) VCF-style: chrX-32466752-C-A.
Other names: c.3583G>T, p.Ala1195Ser (NM_000109.4); c.3595G>T, p.Ala1199Ser (NM_004009.3); c.3238G>T, p.Ala1080Ser (NM_004010.3); short protein forms A1199S, A1080S, A1195S, A1203S.
Identifiers: ClinVar variation 2042597 (VCV002042597.4), dbSNP rs1569562950, ClinGen allele CA412662412.
Genomic context (GRCh38, chrX:32,448,635, plus strand): 5'-TATTTACAGACTCAGTAAGGAGTTTCACTTTCGCTTCTTTTTGTTGGGCCTCTTCTTTAG[C>A]TCTCTGAAAAATAAAGAATGCTCTCTTAATAGCATGAAAATAACTTTACATCCAAAATGC-3'
Protein context (NP_003997.2, residues 1193-1213): LQKAVEEMKR[Ala1203Ser]KEEAQQKEAK

ClinVar aggregate classification (germline): Uncertain significance (1 of 4 stars; one submission).

Conditions:
Duchenne muscular dystrophy (DMD). Also called: MUSCULAR DYSTROPHY, PSEUDOHYPERTROPHIC PROGRESSIVE, DUCHENNE TYPE; Duchenne Muscular Dystrophy (DMD). Identifiers: Orphanet 98896, MedGen C0013264, MONDO:0010679, OMIM 310200.

Submission:

Labcorp Genetics (formerly Invitae), Labcorp
Classification: Uncertain significance for Duchenne muscular dystrophy. Last evaluated: 2021-12-14. Review status: criteria provided, single submitter. Criteria: Invitae Variant Classification Sherloc (09022015). Collection method: clinical testing. Allele origin: germline.
Comment: This sequence change replaces alanine, which is neutral and non-polar, with serine, which is neutral and polar, at codon 1203 of the DMD protein (p.Ala1203Ser). In summary, the available evidence is currently insufficient to determine the role of this variant in disease. Therefore, it has been classified as a Variant of Uncertain Significance. Algorithms developed to predict the effect of missense changes on protein structure and function (SIFT, PolyPhen-2, Align-GVGD) all suggest that this variant is likely to be tolerated. This variant has not been reported in the literature in individuals affected with DMD-related conditions. This variant is not present in population databases (gnomAD no frequency).